The following is an entry in ClinVar:

NC_000022.11:g.40346418G>T

Gene: ADSL (adenylosuccinate lyase; plus strand). Cytogenetic location: 22q13.1.
Variant type: single nucleotide variant.
Genome position: GRCh38 VCF-style: chr22-40346418-G-T. GRCh37 (hg19) VCF-style: chr22-40742422-G-T.
Identifiers: ClinVar variation 2035572 (VCV002035572.5), dbSNP rs986851841, ClinGen allele CA2580099860.

ClinVar aggregate classification (germline): Uncertain significance (1 of 4 stars; one submission).

Conditions:
Adenylosuccinate lyase deficiency (ADSLD). Also called: ADSL DEFICIENCY. Identifiers: Orphanet 46, MedGen C0268126, MONDO:0007068, OMIM 103050.

Submission:

Labcorp Genetics (formerly Invitae), Labcorp
Classification: Uncertain significance for Adenylosuccinate lyase deficiency. Last evaluated: 2024-05-15. Review status: criteria provided, single submitter. Criteria: Invitae Variant Classification Sherloc (09022015). Collection method: clinical testing. Allele origin: germline.
Comment: This variant occurs in a non-coding region of the ADSL gene. It does not change the encoded amino acid sequence of the ADSL protein. This variant is not present in population databases (gnomAD no frequency). This variant has not been reported in the literature in individuals affected with ADSL-related conditions. Experimental studies and prediction algorithms are not available or were not evaluated, and the functional significance of this variant is currently unknown. In summary, the available evidence is currently insufficient to determine the role of this variant in disease. Therefore, it has been classified as a Variant of Uncertain Significance.